The following is an entry in ClinVar:

NM_001271862.2(PNLDC1):c.563-2A>G

Gene: PNLDC1 (PARN like ribonuclease domain containing exonuclease 1; plus strand). Cytogenetic location: 6q25.3.
Variant type: single nucleotide variant.
Coding change: c.563-2A>G on transcript NM_001271862.2 (MANE Select); the canonical splice acceptor site of the intron before coding-DNA position 563, A replaced by G.
Molecular consequence: splice acceptor variant.
Genome position (GRCh38, 1-based): chr6:159,808,738, A>G. VCF-style: chr6-159808738-A-G. GRCh37 (hg19) VCF-style: chr6-160229770-A-G.
Other names: c.530-2A>G (NM_173516.3).
Identifiers: ClinVar variation 4292143 (VCV004292143.1).
Genomic context (GRCh38, chr6:159,808,738, plus strand): 5'-TCTTGTGGGGAACATGCCACACGGTTCCAGGTGCTGTGTGCCCCTGTGTTTCCCTGCTGC[A>G]GGCTTCCAGGCCTTTGAGGTCCAACTGGTGCTGAGGCAGGCCCTCCCCAACATCTGGACG-3'

ClinVar aggregate classification (germline): Likely pathogenic (1 of 4 stars; one submission).

Conditions:
Spermatogenic failure 57. Identifiers: MedGen C5561988, MONDO:0030439, OMIM 619528.

Submission:

3billion
Classification: Likely pathogenic for Spermatogenic failure 57. Last evaluated: 2024-09-23. Review status: criteria provided, single submitter. Criteria: ACMG Guidelines, 2015. Collection method: clinical testing. Allele origin: germline. Affected: yes.
Comment: The variant is not observed in the gnomAD v4.0.0 dataset. Predicted Consequence/Location: Canonical splice site: predicted to alter splicing and result in a loss or disruption of normal protein function. Multiple pathogenic loss-of-function variants are reported downstream of the variant. In silico tools predict the variant to alter splicing and produce an abnormal transcript [SpliceAI: 0.58 (spliceogenicity >=0.2, non-spliceogenicity <0.1)]. Therefore, this variant is classified as Likely pathogenic according to the recommendation of ACMG/AMP guideline.